The following is an entry in ClinVar:

NM_001844.5(COL2A1):c.1023+4A>G

Gene: COL2A1 (collagen type II alpha 1 chain; minus strand). Cytogenetic location: 12q13.11.
Variant type: single nucleotide variant.
Coding change: c.1023+4A>G on transcript NM_001844.5 (MANE Select); 4 bases into the intron after coding-DNA position 1023, A replaced by G.
Molecular consequence: intron variant.
Genome position (GRCh38, 1-based): chr12:47,992,874, T>C on the plus strand (A>G on the coding strand, the complement: COL2A1 is on the minus strand). VCF-style: chr12-47992874-T-C. GRCh37 (hg19) VCF-style: chr12-48386657-T-C.
Other names: c.816+4A>G (NM_033150.3).
Identifiers: ClinVar variation 1020594 (VCV001020594.10), dbSNP rs1939770285, ClinGen allele CA2034466062.

ClinVar aggregate classification (germline): Conflicting classifications of pathogenicity. Review status: criteria provided, conflicting classifications (1 of 4 stars). 2 submissions from 2 submitters: Pathogenic (1); Uncertain significance (1). Last evaluated 2022-09-23.

Submissions (2):

Labcorp Genetics (formerly Invitae), Labcorp
Classification: Pathogenic. Last evaluated: 2022-09-23. Review status: criteria provided, single submitter. Criteria: Invitae Variant Classification Sherloc (09022015). Collection method: clinical testing. Allele origin: germline.
Comment: For these reasons, this variant has been classified as Pathogenic. Variants that disrupt the consensus splice site are a relatively common cause of aberrant splicing (PMID: 17576681, 9536098). Algorithms developed to predict the effect of sequence changes on RNA splicing suggest that this variant may disrupt the consensus splice site. ClinVar contains an entry for this variant (Variation ID: 1020594). This variant has been observed in individual(s) with clinical features of autosomal dominant COL2A1-related conditions (Invitae). In at least one individual the variant was observed to be de novo. This variant is not present in population databases (gnomAD no frequency). This sequence change falls in intron 16 of the COL2A1 gene. It does not directly change the encoded amino acid sequence of the COL2A1 protein. It affects a nucleotide within the consensus splice site.

GeneDx
Classification: Uncertain significance. Last evaluated: 2020-01-02. Review status: criteria provided, single submitter. Criteria: GeneDx Variant Classification Process June 2021. Collection method: clinical testing. Allele origin: germline. Affected: yes.
Comment: Has not been previously published as pathogenic or benign to our knowledge; Not observed in large population cohorts (Lek et al., 2016); In silico analysis predicts this variant damages or destroys the splice donor site in intron 16, which may cause abnormal gene splicing; if the splice outcome is exon skip, the loss of the encoded residues in the triple helical region is expected to disrupt normal protein folding and function, and this is an established mechanism of disease (Stenson et al., 2014); in the absence of RNA/functional studies, the actual effect of this sequence change is unknown

Literature cited by the submitters: PubMed 17576681 (cited by Labcorp Genetics (formerly Invitae), Labcorp); PubMed 9536098 (cited by Labcorp Genetics (formerly Invitae), Labcorp).